The following is an entry in ClinVar:

NM_138694.4(PKHD1):c.11400G>A (p.Gly3800=)

Gene: PKHD1 (PKHD1 ciliary IPT domain containing fibrocystin/polyductin; minus strand). Cytogenetic location: 6p12.3.
Variant type: single nucleotide variant.
Coding change: c.11400G>A on transcript NM_138694.4 (MANE Select); coding-DNA position 11400, G replaced by A.
Protein change: p.Gly3800=; no amino-acid change (glycine 3800 retained).
Molecular consequence: synonymous variant.
Genome position (GRCh38, 1-based): chr6:51,638,955, C>T on the plus strand (G>A on the coding strand, the complement: PKHD1 is on the minus strand). VCF-style: chr6-51638955-C-T. GRCh37 (hg19) VCF-style: chr6-51503753-C-T.
Identifiers: ClinVar variation 287103 (VCV000287103.42), dbSNP rs149427926, ClinGen allele CA3850859.

ClinVar aggregate classification (germline): Conflicting classifications of pathogenicity. Review status: criteria provided, conflicting classifications (1 of 4 stars). 6 submissions from 6 submitters: Uncertain significance (1); Benign (2); Likely benign (2). 1 of the submissions does not count toward it. Last evaluated 2026-01-20.

Conditions:
Polycystic kidney disease 4 (PKD4). Also called: POLYCYSTIC KIDNEY DISEASE 4 WITH OR WITHOUT POLYCYSTIC LIVER DISEASE; PKD3; Autosomal Recessive Polycystic Kidney Disease – PKHD1; POLYCYSTIC KIDNEY AND HEPATIC DISEASE 1; POLYCYSTIC KIDNEY DISEASE, INFANTILE, TYPE I. Identifiers: MedGen C4540575, MONDO:0033004, OMIM 263200.
Autosomal recessive polycystic kidney disease (ARPKD). Also called: AR polycystic kidney disease. Identifiers: Orphanet 731, Orphanet 8378, MedGen C0085548, MeSH D017044, MONDO:0009889.

Allele frequency attached by ClinVar (database versions not stated): gnomAD exomes 0.00020 and 0.00043; ExAC 0.00022; ESP Exome Variant Server 0.00023; gnomAD 0.00024 and 0.00026; TOPMed 0.00024.
gnomAD v4.1: 341 of 1,610,040 alleles (0.021%); highest among the groups gnomAD compares: African/African-American, 0.0053%; 1 homozygote.

Submissions (6):

Labcorp Genetics (formerly Invitae), Labcorp
Classification: Benign for Autosomal recessive polycystic kidney disease. Last evaluated: 2026-01-20. Review status: criteria provided, single submitter. Criteria: Invitae Variant Classification Sherloc (09022015). Collection method: clinical testing. Allele origin: germline.

Women's Health and Genetics/Laboratory Corporation of America, LabCorp
Classification: Benign. Last evaluated: 2025-06-02. Review status: criteria provided, single submitter. Criteria: LabCorp Variant Classification Summary - May 2015. Collection method: clinical testing. Allele origin: germline.
Comment: Variant summary: PKHD1 c.11400G>A (p.Gly3800Gly) alters a conserved nucleotide located close to a canonical splice site and therefore could affect mRNA splicing, leading to a significantly altered protein sequence. Consensus agreement among computation tools predict no significant impact on normal splicing. However, these predictions have yet to be confirmed by functional studies. The observed variant frequency within Ashkenazi Jewish control individuals in the gnomAD database is approximately 1.36 fold of the estimated maximal expected allele frequency for a pathogenic variant in PKHD1 causing Polycystic Kidney And Hepatic Disease phenotype (0.0071). To our knowledge, no occurrence of c.11400G>A in individuals affected with Polycystic Kidney And Hepatic Disease and no experimental evidence demonstrating its impact on protein function have been reported. ClinVar contains an entry for this variant (Variation ID: 287103). Based on the evidence outlined above, the variant was classified as benign.

Department of Pathology and Laboratory Medicine, Sinai Health System
Classification: Likely benign for Polycystic kidney disease 4. Last evaluated: 2025-02-21. Review status: criteria provided, single submitter. Criteria: ACMG Guidelines, 2015. Collection method: clinical testing. Allele origin: germline.

CeGaT Center for Human Genetics Tuebingen
Classification: Likely benign. Last evaluated: 2022-12-01. Review status: criteria provided, single submitter. Criteria: CeGaT Center For Human Genetics Tuebingen Variant Classification Criteria Version 2. Collection method: clinical testing. Allele origin: germline. Affected: yes. Observed: 1 variant allele.
Comment: PKHD1: BP4, BP7

Eurofins Ntd Llc (ga)
Classification: Uncertain significance. Last evaluated: 2016-03-29. Review status: criteria provided, single submitter. Criteria: EGL Classification Definitions 2015. Collection method: clinical testing. Allele origin: germline. Observed: 3 variant alleles, 3 heterozygotes.

Natera, Inc.
Classification: Likely benign for Autosomal recessive polycystic kidney disease. Last evaluated: 2020-05-01. Review status: no assertion criteria provided. Collection method: clinical testing. Allele origin: germline. Not counted in ClinVar's aggregate classification.